The following is an entry in ClinVar:

NM_002397.5(MEF2C):c.1337C>G (p.Pro446Arg)

Genes: MEF2C (myocyte enhancer factor 2C; minus strand), MEF2C-AS2 (MEF2C antisense RNA 2; plus strand). Cytogenetic location: 5q14.3.
Variant type: single nucleotide variant.
Coding change: c.1337C>G on transcript NM_002397.5 (MANE Select); coding-DNA position 1337, C replaced by G.
Protein change: p.Pro446Arg; replaces proline 446 with arginine.
Molecular consequence: missense variant. On other transcripts: 3 prime UTR variant (9), non-coding transcript variant (1).
Genome position (GRCh38, 1-based): chr5:88,722,689, G>C on the plus strand (C>G on the coding strand, the complement: MEF2C is on the minus strand). VCF-style: chr5-88722689-G-C. GRCh37 (hg19) VCF-style: chr5-88018506-G-C.
Other names: c.1241C>G, p.Pro414Arg (NM_001364336.2, NM_001364337.2, NM_001363581.2 and 2 more transcripts); c.1271C>G, p.Pro424Arg (NM_001364338.2); c.1217C>G, p.Pro406Arg (NM_001364339.2, NM_001364340.2, NM_001364341.2 and 1 more transcripts); c.1211C>G, p.Pro404Arg (NM_001364343.2); c.1193C>G, p.Pro398Arg (NM_001364344.2); c.*72C>G (NM_001364345.2, NM_001364346.2, NM_001364347.2 and 6 more transcripts); c.959C>G, p.Pro320Arg (NM_001364353.2); c.863C>G, p.Pro288Arg (NM_001364356.2); and 7 more; short protein forms P264R, P288R, P320R, P366R, P390R, P398R, P404R, P406R.
Identifiers: ClinVar variation 1699697 (VCV001699697.5), dbSNP rs2152042647, ClinGen allele CA360421861.
Genomic context (GRCh38, chr5:88,722,689, plus strand): 5'-CGCATGCGCTTGACTGAGGGACTTTCCCTTTCGTCCGGCGAAGGTCTGGTGAGTCCAATG[G>C]GGGAGTGGAATTCGTTCCGGTGATCCTCTCGGTCGCTCCCGTCGTACGAACTGCTACAGC-3'
Protein context (NP_002388.2, residues 436-456): REDHRNEFHS[Pro446Arg]IGLTRPSPDE

ClinVar aggregate classification (germline): Uncertain significance. Review status: criteria provided, multiple submitters, no conflicts (2 of 4 stars). 2 submissions from 2 submitters: Uncertain significance (2). Last evaluated 2022-12-15.

Conditions:
Neurodevelopmental disorder with hypotonia, stereotypic hand movements, and impaired language. Also called: Intellectual disability, autosomal dominant 20. Identifiers: Orphanet 228384, Orphanet 664410, MedGen C3150700, MONDO:0013266, OMIM 613443.

Submissions (2):

Labcorp Genetics (formerly Invitae), Labcorp
Classification: Uncertain significance for Neurodevelopmental disorder with hypotonia, stereotypic hand movements, and impaired language. Last evaluated: 2022-12-15. Review status: criteria provided, single submitter. Criteria: Invitae Variant Classification Sherloc (09022015). Collection method: clinical testing. Allele origin: germline.
Comment: This sequence change replaces proline, which is neutral and non-polar, with arginine, which is basic and polar, at codon 446 of the MEF2C protein (p.Pro446Arg). This variant is not present in population databases (gnomAD no frequency). This variant has not been reported in the literature in individuals affected with MEF2C-related conditions. ClinVar contains an entry for this variant (Variation ID: 1699697). Advanced modeling of protein sequence and biophysical properties (such as structural, functional, and spatial information, amino acid conservation, physicochemical variation, residue mobility, and thermodynamic stability) has been performed at Invitae for this missense variant, however the output from this modeling did not meet the statistical confidence thresholds required to predict the impact of this variant on MEF2C protein function. In summary, the available evidence is currently insufficient to determine the role of this variant in disease. Therefore, it has been classified as a Variant of Uncertain Significance.

GeneDx
Classification: Uncertain significance. Last evaluated: 2022-02-01. Review status: criteria provided, single submitter. Criteria: GeneDx Variant Classification Process June 2021. Collection method: clinical testing. Allele origin: germline. Affected: yes.
Comment: Has not been previously published as pathogenic or benign to our knowledge; Not observed at significant frequency in large population cohorts (gnomAD); In silico analysis supports that this missense variant has a deleterious effect on protein structure/function